The following is an entry in ClinVar:

ClinVar aggregate classification (germline): Pathogenic (1 of 4 stars; one submission).

Conditions:
Hereditary diffuse gastric adenocarcinoma (HDGC). Also called: DIFFUSE GASTRIC AND LOBULAR BREAST CANCER SYNDROME. Identifiers: Orphanet 26106, MedGen C1708349, MONDO:0007648, OMIM 137215.

Submission:

Labcorp Genetics (formerly Invitae), Labcorp
Classification: Pathogenic for Hereditary diffuse gastric adenocarcinoma. Last evaluated: 2020-10-18. Review status: criteria provided, single submitter. Criteria: Invitae Variant Classification Sherloc (09022015). Collection method: clinical testing. Allele origin: germline.
Comment: This sequence change creates a premature translational stop signal (p.Ile566Leufs*2) in the CDH1 gene. It is expected to result in an absent or disrupted protein product. Loss-of-function variants in CDH1 are known to be pathogenic (PMID: 15235021, 20373070). This variant is not present in population databases (ExAC no frequency). This variant has not been reported in the literature in individuals with CDH1-related conditions. For these reasons, this variant has been classified as Pathogenic.

Literature cited by the submitters: PubMed 15235021; PubMed 20373070.

NM_004360.5(CDH1):c.1695_1696insTT (p.Ile566fs)

Gene: CDH1 (cadherin 1; plus strand). Cytogenetic location: 16q22.1.
Variant type: Insertion.
Coding change: c.1695_1696insTT on transcript NM_004360.5 (MANE Select); coding-DNA positions 1695 to 1696, TT inserted.
Protein change: p.Ile566fs; shifts the reading frame from isoleucine 566.
Molecular consequence: frameshift variant. On other transcripts: intron variant (1).
Genome position: GRCh38 VCF-style: chr16-68819409-C-CTT. GRCh37 (hg19) VCF-style: chr16-68853312-C-CTT.
Other names: c.1512_1513insTT, p.Ile505fs (NM_001317184.2); c.147_148insTT, p.Ile50fs (NM_001317185.2); c.-254-2592_-254-2591insTT (NM_001317186.2); short protein forms I505fs, I50fs, I566fs.
Identifiers: ClinVar variation 1074240 (VCV001074240.7), dbSNP rs2152137001, ClinGen allele CA2499223667.